The following is an entry in ClinVar:

ClinVar aggregate classification (germline): Likely benign (1 of 4 stars; one submission).

Allele frequency attached by ClinVar (database versions not stated): TOPMed 0.00039; 1000 Genomes Project 0.00040; gnomAD 0.00044; 1000 Genomes Project 30x 0.00047; gnomAD exomes 0.00051; ESP Exome Variant Server 0.00055; ExAC 0.00067.
gnomAD v4.1: 819 of 1,613,680 alleles (0.051%); highest among the groups gnomAD compares: Middle Eastern, 0.099%; 1 homozygote.

Submission:

CeGaT Center for Human Genetics Tuebingen
Classification: Likely benign. Last evaluated: 2023-01-01. Review status: criteria provided, single submitter. Criteria: CeGaT Center For Human Genetics Tuebingen Variant Classification Criteria Version 2. Collection method: clinical testing. Allele origin: germline. Affected: yes. Observed: 1 variant allele.
Comment: ZNF404: BP4, BP7

NM_001033719.3(ZNF404):c.627T>C (p.His209=)

Gene: ZNF404 (zinc finger protein 404; minus strand). Cytogenetic location: 19q13.31.
Variant type: single nucleotide variant.
Coding change: c.627T>C on transcript NM_001033719.3 (MANE Select); coding-DNA position 627, T replaced by C.
Protein change: p.His209=; no amino-acid change (histidine 209 retained).
Molecular consequence: synonymous variant.
Genome position (GRCh38, 1-based): chr19:43,873,587, A>G on the plus strand (T>C on the coding strand, the complement: ZNF404 is on the minus strand). VCF-style: chr19-43873587-A-G. GRCh37 (hg19) VCF-style: chr19-44377739-A-G.
Identifiers: ClinVar variation 2650074 (VCV002650074.24), dbSNP rs373038530, ClinGen allele CA9492980.